The following is an entry in ClinVar:

NM_000092.5(COL4A4):c.4052C>G (p.Pro1351Arg)

Gene: COL4A4 (collagen type IV alpha 4 chain; minus strand). Cytogenetic location: 2q36.3.
Variant type: single nucleotide variant.
Coding change: c.4052C>G on transcript NM_000092.5 (MANE Select); coding-DNA position 4052, C replaced by G.
Protein change: p.Pro1351Arg; replaces proline 1351 with arginine.
Molecular consequence: missense variant.
Genome position (GRCh38, 1-based): chr2:227,027,931, G>C on the plus strand (C>G on the coding strand, the complement: COL4A4 is on the minus strand). VCF-style: chr2-227027931-G-C. GRCh37 (hg19) VCF-style: chr2-227892647-G-C.
Other names: short protein forms P1351R.
Identifiers: ClinVar variation 5004433 (VCV005004433.1).

ClinVar aggregate classification (germline): Uncertain significance (1 of 4 stars; one submission).

Conditions:
Alport syndrome. Also called: Hemorrhagic familial nephritis; Hemorrhagic hereditary nephritis; Congenital hereditary hematuria. Identifiers: Orphanet 63, MedGen C1567741, MONDO:0018965.

Submission:

Myriad Genetics, Inc.
Classification: Uncertain significance for Alport syndrome. Last evaluated: 2026-01-29. Review status: criteria provided, single submitter. Criteria: Myriad Autosomal Dominant, Autosomal Recessive and X-Linked Classification Criteria (2023). Collection method: clinical testing. Allele origin: unknown.
Comment: NM_000092.4(COL4A4):c.4052C>G(P1351R) is a missense variant classified as a variant of uncertain significance in the context of Alport syndrome, COL4A4-related. P1351R has not been observed in cases with relevant disease. Relevant functional assessments of this variant are not available in the literature. P1351R has not been observed in referenced population frequency databases. In summary, there is insufficient evidence to classify NM_000092.4(COL4A4):c.4052C>G(P1351R) as pathogenic or benign. Please note: this variant was assessed in the context of healthy population screening.